The following is an entry in ClinVar:

NM_153252.5(BRWD3):c.3254_3255insAGGA (p.Tyr1085Ter)

Gene: BRWD3 (bromodomain and WD repeat domain containing 3; minus strand). Cytogenetic location: Xq21.1.
Variant type: Insertion.
Coding change: c.3254_3255insAGGA on transcript NM_153252.5 (MANE Select); coding-DNA positions 3254 to 3255, AGGA inserted.
Protein change: p.Tyr1085Ter; replaces tyrosine 1085 with a stop codon.
Molecular consequence: nonsense.
Genome position: GRCh38 VCF-style: chrX-80692948-G-GTCCT. GRCh37 (hg19) VCF-style: chrX-79948447-G-GTCCT.
Other names: c.3104_3105insAGGA, p.Tyr1035Ter (NM_001441339.1); short protein forms Y1035*, Y1085*.
Identifiers: ClinVar variation 4599472 (VCV004599472.1).

ClinVar aggregate classification (germline): Pathogenic (1 of 4 stars; one submission).

Conditions:
Inborn genetic diseases. Identifiers: MedGen C0950123, MeSH D030342.

Submission:

Ambry Genetics
Classification: Pathogenic for Inborn genetic diseases. Last evaluated: 2025-09-17. Review status: criteria provided, single submitter. Criteria: Ambry Variant Classification Scheme 2023. Collection method: clinical testing. Allele origin: germline.
Comment: The c.3254_3255insAGGA (p.Y1085*) alteration, located in exon 28 (coding exon 28) of the BRWD3 gene, consists of an insertion of AGGA at position 3254. This changes the amino acid from a tyrosine to a stop codon at amino acid position p.1085. This alteration is expected to result in loss of function by premature protein truncation or nonsense-mediated mRNA decay. This variant was not reported in population-based cohorts in the Genome Aggregation Database (gnomAD). Based on the available evidence, this alteration is classified as pathogenic.